The following is an entry in ClinVar:

ClinVar aggregate classification (germline): Uncertain significance (1 of 4 stars; one submission).

gnomAD v4.1: 1 of 1,614,132 alleles (0.000062%); highest among the groups gnomAD compares: Non-Finnish European, 0.000085%; no homozygotes.

Submission:

Labcorp Genetics (formerly Invitae), Labcorp
Classification: Uncertain significance. Last evaluated: 2021-10-29. Review status: criteria provided, single submitter. Criteria: Invitae Variant Classification Sherloc (09022015). Collection method: clinical testing. Allele origin: germline.
Comment: This sequence change replaces glutamic acid, which is acidic and polar, with aspartic acid, which is acidic and polar, at codon 1648 of the PCDH15 protein (p.Glu1648Asp). In summary, the available evidence is currently insufficient to determine the role of this variant in disease. Therefore, it has been classified as a Variant of Uncertain Significance. Algorithms developed to predict the effect of missense changes on protein structure and function (SIFT, PolyPhen-2, Align-GVGD) all suggest that this variant is likely to be tolerated. This variant has not been reported in the literature in individuals affected with PCDH15-related conditions. This variant is not present in population databases (gnomAD no frequency).

NM_033056.4(PCDH15):c.4944A>C (p.Glu1648Asp)

Gene: PCDH15 (protocadherin related 15; minus strand). Cytogenetic location: 10q21.1.
Variant type: single nucleotide variant.
Coding change: c.4944A>C on transcript NM_033056.4 (MANE Plus Clinical); coding-DNA position 4944, A replaced by C.
Protein change: p.Glu1648Asp; replaces glutamic acid 1648 with aspartic acid.
Molecular consequence: missense variant. On other transcripts: intron variant (8).
Genome position (GRCh38, 1-based): chr10:53,822,782, T>G on the plus strand (A>C on the coding strand, the complement: PCDH15 is on the minus strand). VCF-style: chr10-53822782-T-G. GRCh37 (hg19) VCF-style: chr10-55582542-T-G.
Other names: c.4965A>C, p.Glu1655Asp (NM_001142763.2); c.4950A>C, p.Glu1650Asp (NM_001142764.2); c.4737A>C, p.Glu1579Asp (NM_001142765.2); c.4935A>C, p.Glu1645Asp (NM_001142766.2); c.4824A>C, p.Glu1608Asp (NM_001142767.2); c.4884A>C, p.Glu1628Asp (NM_001142768.2); c.4875A>C, p.Glu1625Asp (NM_001142773.2); c.4878A>C, p.Glu1626Asp (NM_001354404.2); and 6 more; short protein forms E1608D, E1625D, E1626D, E1645D, E1628D, E1650D, E1579D, E1648D.
Identifiers: ClinVar variation 1379105 (VCV001379105.6), dbSNP rs2132500951, ClinGen allele CA376526225.